The following is an entry in ClinVar:

ClinVar aggregate classification (germline): Likely pathogenic (0 of 4 stars; one submission).

Conditions:
Merosin deficient congenital muscular dystrophy (MDC1A). Also called: Congenital Muscular Dystrophy Type 1A (MDC1A); Congenital merosin-deficient muscular dystrophy 1A. Identifiers: Orphanet 258, MedGen C1263858, MONDO:0011925, OMIM 607855.

Submission:

Solve-RD Consortium
Classification: Likely pathogenic for Merosin deficient congenital muscular dystrophy. Last evaluated: 2024-06-01. Review status: no assertion criteria provided. Collection method: provider interpretation. Allele origin: germline. Affected: yes.
Comment: This CNV was confirmed by the submitting clinician to impact a gene that corresponds with the phenotype of the affected individual, and thus deemed to be causative for their condition.

Literature cited by the submitters: PubMed 39825153.

GRCh37/hg19 6q22.33(chr6:129674257-129674553)x1

Gene: LAMA2 (laminin subunit alpha 2; plus strand). Cytogenetic location: 6q22.33.
Variant type: copy number loss.
Change: copy number 1 (one copy instead of two) of chr6:129,674,257-129,674,553 (0.3 kb, GRCh37 coordinates, 1-based), cytogenetic band 6q22.33.
Identifiers: ClinVar variation 3338453 (VCV003338453.1).